The following is an entry in ClinVar:

ClinVar aggregate classification (germline): Pathogenic (1 of 4 stars; one submission).

Conditions:
PEX1-related disorder. Also called: PEX1-related condition.

Submission:

PreventionGenetics, part of Exact Sciences
Classification: Pathogenic for PEX1-related condition. Last evaluated: 2024-11-06. Review status: criteria provided, single submitter. Criteria: ACMG Guidelines, 2015. Collection method: clinical testing. Allele origin: germline.
Comment: The PEX1 c.569C>G variant is predicted to result in premature protein termination (p.Ser190*). To our knowledge, this variant has not been reported in the literature or in a large population database (gnomAD), indicating that it is rare. An alternate nucleotide change resulting in the same nonsense variant, c.569C>A (p.Ser190*), has been reported in individuals affected with Zellweger syndrome spectrum disorder (Ebberink et al., 2011; PubMed ID: 21031596). Nonsense variants in PEX1 are expected to be pathogenic. Taken together, this variant is interpreted as pathogenic.

NM_000466.3(PEX1):c.569C>G (p.Ser190Ter)

Gene: PEX1 (peroxisomal biogenesis factor 1; minus strand). Cytogenetic location: 7q21.2.
Variant type: single nucleotide variant.
Coding change: c.569C>G on transcript NM_000466.3 (MANE Select); coding-DNA position 569, C replaced by G.
Protein change: p.Ser190Ter; replaces serine 190 with a stop codon.
Molecular consequence: nonsense. On other transcripts: 5 prime UTR variant (1).
Genome position (GRCh38, 1-based): chr7:92,517,946, G>C on the plus strand (C>G on the coding strand, the complement: PEX1 is on the minus strand). VCF-style: chr7-92517946-G-C. GRCh37 (hg19) VCF-style: chr7-92147260-G-C.
Other names: c.569C>G, p.Ser190Ter (NM_001282677.2); c.-56C>G (NM_001282678.2); short protein forms S190*.
Identifiers: ClinVar variation 4997014 (VCV004997014.1).